The following is an entry in ClinVar:

NM_001849.4(COL6A2):c.1572C>T (p.Pro524=)

Gene: COL6A2 (collagen type VI alpha 2 chain; plus strand). Cytogenetic location: 21q22.3.
Variant type: single nucleotide variant.
Coding change: c.1572C>T on transcript NM_001849.4 (MANE Select); coding-DNA position 1572, C replaced by T.
Protein change: p.Pro524=; no amino-acid change (proline 524 retained).
Molecular consequence: synonymous variant.
Genome position (GRCh38, 1-based): chr21:46,122,158, C>T. VCF-style: chr21-46122158-C-T. GRCh37 (hg19) VCF-style: chr21-47542072-C-T.
Other names: c.1572C>T, p.Pro524= (NM_058174.3, NM_058175.3).
Identifiers: ClinVar variation 499870 (VCV000499870.10), dbSNP rs552356380, ClinGen allele CA10071980.

ClinVar aggregate classification (germline): Uncertain significance. Review status: criteria provided, multiple submitters, no conflicts (2 of 4 stars). 2 submissions from 2 submitters: Uncertain significance (2). Last evaluated 2023-11-20.

Conditions:
Bethlem myopathy 1A. Also called: MYOPATHY, BENIGN CONGENITAL, WITH CONTRACTURES; Bethlem myopathy 1; Bethlem Muscular Dystrophy. Identifiers: Orphanet 610, MedGen CN029274, MONDO:0024530, OMIM 158810.

Allele frequency attached by ClinVar (database versions not stated): gnomAD 0.00001 and 0.00002; TOPMed 0.00001; ExAC 0.00004; gnomAD exomes 0.00004; 1000 Genomes Project 30x 0.00016; 1000 Genomes Project 0.00020.
gnomAD v4.1: 12 of 1,612,512 alleles (0.00074%); highest among the groups gnomAD compares: East Asian, 0.016%; no homozygotes.

Submissions (2):

Labcorp Genetics (formerly Invitae), Labcorp
Classification: Uncertain significance for Bethlem myopathy 1A. Last evaluated: 2023-11-20. Review status: criteria provided, single submitter. Criteria: Invitae Variant Classification Sherloc (09022015). Collection method: clinical testing. Allele origin: germline.
Comment: This sequence change affects codon 524 of the COL6A2 mRNA. It is a 'silent' change, meaning that it does not change the encoded amino acid sequence of the COL6A2 protein. It affects a nucleotide within the consensus splice site. This variant is present in population databases (rs552356380, gnomAD 0.05%). This variant has not been reported in the literature in individuals affected with COL6A2-related conditions. ClinVar contains an entry for this variant (Variation ID: 499870). Algorithms developed to predict the effect of sequence changes on RNA splicing suggest that this variant is not likely to affect RNA splicing. In summary, the available evidence is currently insufficient to determine the role of this variant in disease. Therefore, it has been classified as a Variant of Uncertain Significance.

Eurofins Ntd Llc (ga)
Classification: Uncertain significance. Last evaluated: 2017-01-13. Review status: criteria provided, single submitter. Criteria: EGL Classification Definitions 2015. Collection method: clinical testing. Allele origin: germline. Observed: 1 variant allele, 1 heterozygote.